The following is an entry in ClinVar:

ClinVar aggregate classification (germline): Uncertain significance. Review status: criteria provided, multiple submitters, no conflicts (2 of 4 stars). 2 submissions from 2 submitters: Uncertain significance (2). Last evaluated 2025-08-29.

Conditions:
Inborn genetic diseases. Identifiers: MedGen C0950123, MeSH D030342.

Allele frequency attached by ClinVar (database versions not stated): ExAC 0.00001; gnomAD 0.00001; gnomAD exomes 0.00001; TOPMed 0.00001; ESP Exome Variant Server 0.00008.
gnomAD v4.1: 10 of 1,609,662 alleles (0.00062%); highest among the groups gnomAD compares: African/African-American, 0.0013%; no homozygotes.

Submissions (2):

Ambry Genetics
Classification: Uncertain significance for Inborn genetic diseases. Last evaluated: 2025-08-29. Review status: criteria provided, single submitter. Criteria: Ambry Variant Classification Scheme 2023. Collection method: clinical testing. Allele origin: germline.

Labcorp Genetics (formerly Invitae), Labcorp
Classification: Uncertain significance. Last evaluated: 2024-04-29. Review status: criteria provided, single submitter. Criteria: Invitae Variant Classification Sherloc (09022015). Collection method: clinical testing. Allele origin: germline.
Comment: This sequence change replaces valine, which is neutral and non-polar, with alanine, which is neutral and non-polar, at codon 383 of the DNAAF4 protein (p.Val383Ala). This variant is present in population databases (rs374898550, gnomAD 0.0009%). This variant has not been reported in the literature in individuals affected with DNAAF4-related conditions. ClinVar contains an entry for this variant (Variation ID: 1907221). Advanced modeling of protein sequence and biophysical properties (such as structural, functional, and spatial information, amino acid conservation, physicochemical variation, residue mobility, and thermodynamic stability) performed at Invitae indicates that this missense variant is not expected to disrupt DNAAF4 protein function with a negative predictive value of 80%. In summary, the available evidence is currently insufficient to determine the role of this variant in disease. Therefore, it has been classified as a Variant of Uncertain Significance.

NM_130810.4(DNAAF4):c.1148T>C (p.Val383Ala)

Genes: DNAAF4 (dynein axonemal assembly factor 4; minus strand), DNAAF4-CCPG1 (DNAAF4-CCPG1 readthrough (NMD candidate); minus strand). Cytogenetic location: 15q21.3.
Variant type: single nucleotide variant.
Coding change: c.1148T>C on transcript NM_130810.4 (MANE Select); coding-DNA position 1148, T replaced by C.
Protein change: p.Val383Ala; replaces valine 383 with alanine.
Molecular consequence: missense variant. On other transcripts: non-coding transcript variant (1), intron variant (2).
Genome position (GRCh38, 1-based): chr15:55,432,502, A>G on the plus strand (T>C on the coding strand, the complement: DNAAF4 is on the minus strand). VCF-style: chr15-55432502-A-G. GRCh37 (hg19) VCF-style: chr15-55724700-A-G.
Other names: c.1148T>C (NM_130810.3); c.1047+2403T>C (NM_001033560.2); c.1048-1723T>C (NM_001033559.3); short protein forms V383A.
Identifiers: ClinVar variation 1907221 (VCV001907221.6), dbSNP rs374898550, ClinGen allele CA7574814.
Genomic context (GRCh38, chr15:55,432,502, plus strand): 5'-GACATTTTTTTCAGAGTATAACTTGGGACTTAAACCATTTCTATCAATTCCTTACCTTCT[A>G]CATACAATTCTAGTTGACAGAATGCTGTTCCACGTCGTACATGTGCCTTCATTCTTGCAT-3'
Protein context (NP_570722.2, residues 373-393): GTAFCQLELY[Val383Ala]EGLQDYEAAL